The following is an entry in ClinVar:

ClinVar aggregate classification (germline): Likely benign. Review status: criteria provided, multiple submitters, no conflicts (2 of 4 stars). 5 submissions from 5 submitters: Likely benign (2). 3 of the submissions do not count toward it. Last evaluated 2026-06-01.

Conditions:
KMT2C-related disorder. Also called: KMT2C-related condition; KMT2C-related disorders.

Allele frequency attached by ClinVar (database versions not stated): 1000 Genomes Project 0.00020; TOPMed 0.00024; gnomAD 0.00006; 1000 Genomes Project 30x 0.00016.
gnomAD v4.1: 150 of 1,614,232 alleles (0.0093%); highest among the groups gnomAD compares: Admixed American, 0.2%; 1 homozygote.

Submissions (5):

CeGaT Center for Human Genetics Tuebingen
Classification: Likely benign. Last evaluated: 2026-06-01. Review status: criteria provided, single submitter. Criteria: CeGaT Center For Human Genetics Tuebingen Variant Classification Criteria Version 2. Collection method: clinical testing. Allele origin: germline. Affected: yes. Observed: 3 variant alleles.
Comment: KMT2C: BS1

Labcorp Genetics (formerly Invitae), Labcorp
Classification: Likely benign. Last evaluated: 2023-10-13. Review status: criteria provided, single submitter. Criteria: Invitae Variant Classification Sherloc (09022015). Collection method: clinical testing. Allele origin: germline.

PreventionGenetics, part of Exact Sciences
Classification: Likely benign for KMT2C-related condition. Last evaluated: 2022-06-01. Review status: no assertion criteria provided. Collection method: clinical testing. Allele origin: germline. Not counted in ClinVar's aggregate classification.
Comment: This variant is classified as likely benign based on ACMG/AMP sequence variant interpretation guidelines (Richards et al. 2015 PMID: 25741868, with internal and published modifications).

ITMI
No classification provided. Condition: AllHighlyPenetrant. Last evaluated: 2013-09-19. Review status: no classification provided. Collection method: reference population. Allele origin: germline. Not counted in ClinVar's aggregate classification.
Comment: Please see associated publication for description of ethnicities

Department of Pathology and Laboratory Medicine, Sinai Health System
Classification: Likely benign. Review status: no assertion criteria provided. Collection method: clinical testing. Allele origin: unknown. Affected: yes. Study: The Canadian Open Genetics Repository (COGR). Not counted in ClinVar's aggregate classification.
Comment: The KMT2C p.P4508S variant was not identified in the literature but was identified in dbSNP (ID: rs182572555)Â¬â€ and ClinVar (submitted by ITMI, no classification provided). The variant was identified in control databases in 58 of 282632 chromosomes at a frequency of 0.0002052, and was observed at the highest frequency in the Latino population in 53 of 35436 chromosomes (freq: 0.001496) (Genome Aggregation Database March 6, 2019, v2.1.1). This frequency is greater than expected for the rare, autosomal dominant Kleefstra syndrome 2 associated with KMT2C variants. The p.P4508 residue is conserved in mammals and more distantly related organisms however computational analyses (MUT Assesor, PolyPhen-2, SIFT, MutationTaster, Revel, FATHMM, MetaLR, DANN) provide inconsistent predictions regarding the impact to the protein; this information is not very predictive of pathogenicity.Â¬â€ The variant occurs outside of the splicing consensus sequence and in silico or computational prediction software programs (Splice AI exome) do not predict a difference in splicing. In summary, based on the above information the clinical significance of this variant cannot be determined with certainty at this time although we would lean towards a more benign role for this variant. This variant is classified as likely benign.

Literature cited by the submitters: PubMed 24728327 (cited by ITMI).

NM_170606.3(KMT2C):c.13522C>T (p.Pro4508Ser)

Gene: KMT2C (lysine methyltransferase 2C; minus strand). Cytogenetic location: 7q36.1.
Variant type: single nucleotide variant.
Coding change: c.13522C>T on transcript NM_170606.3 (MANE Select); coding-DNA position 13522, C replaced by T.
Protein change: p.Pro4508Ser; replaces proline 4508 with serine.
Molecular consequence: missense variant.
Genome position (GRCh38, 1-based): chr7:152,148,405, G>A on the plus strand (C>T on the coding strand, the complement: KMT2C is on the minus strand). VCF-style: chr7-152148405-G-A. GRCh37 (hg19) VCF-style: chr7-151845490-G-A.
Other names: c.13522C>T (NM_170606.2); short protein forms P4508S.
Identifiers: ClinVar variation 134815 (VCV000134815.17), dbSNP rs182572555, ClinGen allele CA160799.
Genomic context (GRCh38, chr7:152,148,405, plus strand): 5'-GAACATAGACCCTCCTGAAGACTGCAAAGTAACTTAATTCTTGCTCATGAATTCCCTTTG[G>A]TTTGTGCATGGGGCAAAGCATAGTTTTGTCCTTAAAAAACATGCATTGTGCTTTAATGGC-3'
Protein context (NP_733751.2, residues 4498-4518): DKTMLCPMHK[Pro4508Ser]KGIHEQELSY